The following is an entry in ClinVar:

ClinVar aggregate classification (germline): Uncertain significance. Review status: criteria provided, multiple submitters, no conflicts (2 of 4 stars). 2 submissions from 2 submitters: Uncertain significance (2). Last evaluated 2023-10-05.

Conditions:
DICER1-related tumor predisposition. Also called: DICER1-related pleuropulmonary blastoma cancer predisposition syndrome; DICER1 syndrome. Identifiers: Orphanet 284343, MedGen C3839822, MONDO:0100216.
Global developmental delay - lung cysts - overgrowth - Wilms tumor syndrome. Also called: GLOW Syndrome; GLOBAL DEVELOPMENTAL DELAY, LUNG CYSTS, OVERGROWTH, AND WILMS TUMOR. Identifiers: Orphanet 404476, MedGen C4748924, MONDO:0018445, OMIM 618272.

Submissions (2):

Labcorp Genetics (formerly Invitae), Labcorp
Classification: Uncertain significance for DICER1-related tumor predisposition. Last evaluated: 2023-10-05. Review status: criteria provided, single submitter. Criteria: Invitae Variant Classification Sherloc (09022015). Collection method: clinical testing. Allele origin: germline.
Comment: This sequence change replaces valine, which is neutral and non-polar, with leucine, which is neutral and non-polar, at codon 504 of the DICER1 protein (p.Val504Leu). This variant is not present in population databases (gnomAD no frequency). This variant has not been reported in the literature in individuals affected with DICER1-related conditions. An algorithm developed to predict the effect of missense changes on protein structure and function (PolyPhen-2) suggests that this variant is likely to be disruptive. In summary, the available evidence is currently insufficient to determine the role of this variant in disease. Therefore, it has been classified as a Variant of Uncertain Significance.

Baylor Genetics
Classification: Uncertain significance for Global developmental delay - lung cysts - overgrowth - Wilms tumor syndrome. Last evaluated: 2023-09-27. Review status: criteria provided, single submitter. Criteria: ACMG Guidelines, 2015. Collection method: clinical testing. Allele origin: unknown.

NM_177438.3(DICER1):c.1510G>T (p.Val504Leu)

Gene: DICER1 (dicer 1, ribonuclease III; minus strand). Cytogenetic location: 14q32.13.
Variant type: single nucleotide variant.
Coding change: c.1510G>T on transcript NM_177438.3 (MANE Select); coding-DNA position 1510, G replaced by T.
Protein change: p.Val504Leu; replaces valine 504 with leucine.
Molecular consequence: missense variant. On other transcripts: non-coding transcript variant (6), intron variant (1).
Genome position (GRCh38, 1-based): chr14:95,116,695, C>A on the plus strand (G>T on the coding strand, the complement: DICER1 is on the minus strand). VCF-style: chr14-95116695-C-A. GRCh37 (hg19) VCF-style: chr14-95583032-C-A.
Other names: c.1510G>T, p.Val504Leu (NM_001195573.1, NM_001271282.3, NM_001291628.2 and 13 more transcripts); c.1228G>T, p.Val410Leu (NM_001395686.1); c.1105G>T, p.Val369Leu (NM_001395687.1, NM_001395688.1, NM_001395689.1 and 3 more transcripts); c.943G>T, p.Val315Leu (NM_001395691.1); c.-59-115G>T (NM_001395697.1); short protein forms V315L, V369L, V410L, V504L.
Identifiers: ClinVar variation 2674805 (VCV002674805.4), dbSNP rs748384175, ClinGen allele CA390885259.